The following is an entry in ClinVar:

ClinVar aggregate classification (germline): Likely benign (0 of 4 stars; one submission).

Conditions:
MFSD2A-related disorder. Also called: MFSD2A-related condition.

Submission:

PreventionGenetics, part of Exact Sciences
Classification: Likely benign for MFSD2A-related condition. Last evaluated: 2021-01-06. Review status: no assertion criteria provided. Collection method: clinical testing. Allele origin: germline.
Comment: This variant is classified as likely benign based on ACMG/AMP sequence variant interpretation guidelines (Richards et al. 2015 PMID: 25741868, with internal and published modifications).

NM_032793.5(MFSD2A):c.1096-8T>C

Gene: MFSD2A (MFSD2 lysolipid transporter A, lysophospholipid; plus strand). Cytogenetic location: 1p34.2.
Variant type: single nucleotide variant.
Coding change: c.1096-8T>C on transcript NM_032793.5 (MANE Select); 8 bases into the intron before coding-DNA position 1096, T replaced by C.
Molecular consequence: intron variant.
Genome position (GRCh38, 1-based): chr1:39,967,796, T>C. VCF-style: chr1-39967796-T-C. GRCh37 (hg19) VCF-style: chr1-40433468-T-C.
Other names: c.1135-8T>C (NM_001136493.3); c.1012-8T>C (NM_001349822.2); c.751-8T>C (NM_001349823.2); c.979-8T>C (NM_001287809.2); c.628-8T>C (NM_001287808.2); c.1090-8T>C (NM_001349821.2).
Identifiers: ClinVar variation 3030048 (VCV003030048.2), dbSNP rs2522971769, ClinGen allele CA2740090639.
Genomic context (GRCh38, chr1:39,967,796, plus strand): 5'-CTGGGTTGAGTTGGGATGTCTGGTGGGAACCTCCCAGCTGATTCATCTTCCTGCACCCCC[T>C]TCCCTAGTCAGCAGTGCCATTTCTCATCTTGGTGGCCCTCATGGAGAGTAACCTCATCAT-3'